The following is an entry in ClinVar:

NM_000463.3(UGT1A1):c.996+4A>T

Genes: UGT1A (UDP glucuronosyltransferase family 1 member A complex locus; plus strand), UGT1A1 (UDP glucuronosyltransferase family 1 member A1; plus strand), UGT1A10 (UDP glucuronosyltransferase family 1 member A10; plus strand), UGT1A3 (UDP glucuronosyltransferase family 1 member A3; plus strand), UGT1A4 (UDP glucuronosyltransferase family 1 member A4; plus strand) and 5 more. Cytogenetic location: 2q37.1.
Variant type: single nucleotide variant.
Coding change: c.996+4A>T on transcript NM_000463.3 (MANE Select); 4 bases into the intron after coding-DNA position 996, A replaced by T.
Molecular consequence: intron variant.
Genome position (GRCh38, 1-based): chr2:233,767,169, A>T. VCF-style: chr2-233767169-A-T. GRCh37 (hg19) VCF-style: chr2-234675815-A-T.
Other names: c.987+4A>T (NM_019076.5, NM_019075.4, NM_021027.3 and 1 more transcripts); c.192+4A>T (NM_205862.3); c.993+4A>T (NM_001072.4); c.999+4A>T (NM_019078.2, NM_007120.3, NM_019093.4).
Identifiers: ClinVar variation 4685804 (VCV004685804.1).

ClinVar aggregate classification (germline): Uncertain significance (1 of 4 stars; one submission).

Submission:

ARUP Laboratories, Molecular Genetics and Genomics, ARUP Laboratories
Classification: Uncertain significance. Last evaluated: 2025-05-07. Review status: criteria provided, single submitter. Criteria: ARUP Molecular Germline Variant Investigation Process 2024. Collection method: clinical testing. Allele origin: germline.
Comment: The UGT1A1 c.996+4A>T variant, to our knowledge, is not reported in the medical literature or gene specific databases. This variant is also absent from the Genome Aggregation Database (v2.1.1), indicating it is not a common polymorphism. This is an intronic variant and computational analyses (Alamut Visual Plus v.1.12) predict that this variant may impact splicing by weakening the nearby canonical donor splice site. However, given the lack of clinical and functional data, the significance of this variant is uncertain at this time.